The following is an entry in ClinVar:

ClinVar aggregate classification (germline): Uncertain significance (1 of 4 stars; one submission).

Conditions:
Gorlin syndrome. Also called: Basal cell nevus syndrome; Nevoid Basal Cell Carcinoma Syndrome. Identifiers: Orphanet 377, MedGen C0004779, MONDO:0007187.
Medulloblastoma (MDB). Also called: MEDULLOBLASTOMA PREDISPOSITION SYNDROME; Medulloblastoma, somatic. Identifiers: Orphanet 616, MedGen C0025149, MeSH D008527, MONDO:0007959, OMIM 155255, HP:0002885.

Submission:

Labcorp Genetics (formerly Invitae), Labcorp
Classification: Uncertain significance for Gorlin syndrome; Medulloblastoma. Last evaluated: 2021-07-19. Review status: criteria provided, single submitter. Criteria: Invitae Variant Classification Sherloc (09022015). Collection method: clinical testing. Allele origin: germline.
Comment: In summary, the available evidence is currently insufficient to determine the role of this variant in disease. Therefore, it has been classified as a Variant of Uncertain Significance. This sequence change replaces valine with isoleucine at codon 54 of the SUFU protein (p.Val54Ile). The valine residue is highly conserved and there is a small physicochemical difference between valine and isoleucine. This variant has not been reported in the literature in individuals with SUFU-related conditions. Algorithms developed to predict the effect of missense changes on protein structure and function are either unavailable or do not agree on the potential impact of this missense change (SIFT: "Deleterious"; PolyPhen-2: "Benign"; Align-GVGD: "Class C0"). This variant is not present in population databases (ExAC no frequency).

NM_016169.4(SUFU):c.160G>A (p.Val54Ile)

Gene: SUFU (SUFU negative regulator of hedgehog signaling; plus strand). Cytogenetic location: 10q24.32.
Variant type: single nucleotide variant.
Coding change: c.160G>A on transcript NM_016169.4 (MANE Select); coding-DNA position 160, G replaced by A.
Protein change: p.Val54Ile; replaces valine 54 with isoleucine.
Molecular consequence: missense variant.
Genome position (GRCh38, 1-based): chr10:102,504,312, G>A. VCF-style: chr10-102504312-G-A. GRCh37 (hg19) VCF-style: chr10-104264069-G-A.
Other names: c.160G>A, p.Val54Ile (NM_001178133.2); short protein forms V54I.
Identifiers: ClinVar variation 1348879 (VCV001348879.8), dbSNP rs2135598727, ClinGen allele CA377886705.